The following is an entry in ClinVar:

ClinVar aggregate classification (germline): Uncertain significance (1 of 4 stars; one submission).

Conditions:
Catecholaminergic polymorphic ventricular tachycardia 1. Also called: VENTRICULAR TACHYCARDIA, STRESS-INDUCED POLYMORPHIC 1; VENTRICULAR TACHYCARDIA, CATECHOLAMINERGIC POLYMORPHIC, 1, WITH OR WITHOUT ATRIAL DYSFUNCTION AND/OR DILATED CARDIOMYOPATHY; RYR2-Related Catecholaminergic Polymorphic Ventricular Tachycardia. Identifiers: Orphanet 3286, MedGen C1631597, MONDO:0011484, OMIM 604772.

Submission:

Labcorp Genetics (formerly Invitae), Labcorp
Classification: Uncertain significance for Catecholaminergic polymorphic ventricular tachycardia 1. Last evaluated: 2017-05-10. Review status: criteria provided, single submitter. Criteria: Invitae Variant Classification Sherloc (09022015). Collection method: clinical testing. Allele origin: germline.
Comment: This variant occurs within one of the three regions of the RYR2 gene (N-terminal domain, central domain, or channel region) where other pathogenic variants have been reported to cluster (PMID: 19926015). In summary, this variant is a novel missense change with uncertain impact on protein function. It has been classified as a Variant of Uncertain Significance. This sequence change replaces serine with glycine at codon 221 of the RYR2 protein (p.Ser221Gly). The serine residue is highly conserved and there is a small physicochemical difference between serine and glycine. This variant is not present in population databases (ExAC no frequency) and has not been reported in the literature in individuals with a RYR2-related disease. Algorithms developed to predict the effect of missense changes on protein structure and function (SIFT, PolyPhen-2, Align-GVGD) all suggest that this variant is likely to be disruptive, but these predictions have not been confirmed by published functional studies.

Literature cited by the submitters: PubMed 19926015.

NM_001035.3(RYR2):c.661A>G (p.Ser221Gly)

Gene: RYR2 (ryanodine receptor 2; plus strand). Cytogenetic location: 1q43.
Variant type: single nucleotide variant.
Coding change: c.661A>G on transcript NM_001035.3 (MANE Select); coding-DNA position 661, A replaced by G.
Protein change: p.Ser221Gly; replaces serine 221 with glycine.
Molecular consequence: missense variant.
Genome position (GRCh38, 1-based): chr1:237,387,365, A>G. VCF-style: chr1-237387365-A-G. GRCh37 (hg19) VCF-style: chr1-237550665-A-G.
Other names: c.661A>G, p.Ser221Gly (LRG_402t1); short protein forms S221G.
Identifiers: ClinVar variation 463621 (VCV000463621.10), dbSNP rs1553431798, ClinGen allele CA345377574.